The following is an entry in ClinVar:

NM_000444.6(PHEX):c.1152_1153del (p.Tyr384_Arg385delinsTer)

Gene: PHEX (phosphate regulating endopeptidase X-linked; plus strand). Cytogenetic location: Xp22.11.
Variant type: Microsatellite.
Coding change: c.1152_1153del on transcript NM_000444.6 (MANE Select); coding-DNA positions 1152 to 1153, 2 bases deleted (TA; older notation c.1152_1153delTA).
Protein change: p.Tyr384_Arg385delinsTer.
Molecular consequence: nonsense.
Genome position (GRCh38, 1-based): chrX:22,111,539-22,111,540, TA deleted; deleting any 2 consecutive bases within chrX:22,111,537-22,111,540 gives the same sequence; the c. name uses the placement nearest the transcript's 3' end. VCF-style (leftmost placement, unchanged base first): chrX-22111536-GTA-G. GRCh37 (hg19) VCF-style: chrX-22129654-GTA-G.
Other names: c.1152_1153del, p.Tyr384_Arg385delinsTer (NM_001282754.2).
Identifiers: ClinVar variation 2120760 (VCV002120760.4), dbSNP rs2518515734, ClinGen allele CA2580616904.

ClinVar aggregate classification (germline): Pathogenic (1 of 4 stars; one submission).

Submission:

Labcorp Genetics (formerly Invitae), Labcorp
Classification: Pathogenic. Last evaluated: 2024-07-24. Review status: criteria provided, single submitter. Criteria: Invitae Variant Classification Sherloc (09022015). Collection method: clinical testing. Allele origin: germline.
Comment: This sequence change creates a premature translational stop signal (p.Tyr384*) in the PHEX gene. It is expected to result in an absent or disrupted protein product. Loss-of-function variants in PHEX are known to be pathogenic (PMID: 9097956, 9106524, 19219621). This variant is not present in population databases (gnomAD no frequency). This variant has not been reported in the literature in individuals affected with PHEX-related conditions. For these reasons, this variant has been classified as Pathogenic.

Literature cited by the submitters: PubMed 9097956; PubMed 9106524; PubMed 19219621.